The following is an entry in ClinVar:

NM_000051.4(ATM):c.3173G>A (p.Trp1058Ter)

Gene: ATM (ATM serine/threonine kinase; plus strand). Cytogenetic location: 11q22.3.
Variant type: single nucleotide variant.
Coding change: c.3173G>A on transcript NM_000051.4 (MANE Select); coding-DNA position 3173, G replaced by A.
Protein change: p.Trp1058Ter; replaces tryptophan 1058 with a stop codon.
Molecular consequence: nonsense.
Genome position (GRCh38, 1-based): chr11:108,272,741, G>A. VCF-style: chr11-108272741-G-A. GRCh37 (hg19) VCF-style: chr11-108143468-G-A.
Other names: c.3173G>A, p.Trp1058Ter (NM_001351834.2); short protein forms W1058*.
Identifiers: ClinVar variation 2039938 (VCV002039938.7), dbSNP rs1297911790, ClinGen allele CA382515586.

ClinVar aggregate classification (germline): Pathogenic. Review status: criteria provided, multiple submitters, no conflicts (2 of 4 stars). 4 submissions from 4 submitters: Pathogenic (3). 1 of the submissions does not count toward it. Last evaluated 2025-12-22.

Conditions:
Familial cancer of breast. Also called: Hereditary breast cancer; hereditary breast carcinoma; BREAST CANCER, FAMILIAL. Identifiers: Orphanet 227535, MedGen C0346153, MONDO:0016419, OMIM 114480. Disease mechanism: loss of function.
Ataxia-telangiectasia syndrome (AT). Also called: LOUIS-BAR SYNDROME; AT, COMPLEMENTATION GROUP C; Ataxia-telangiectasia, complementation group E; Ataxia telangiectasia (A-T); ATAXIA-TELANGIECTASIA, COMPLEMENTATION GROUP A; ATAXIA-TELANGIECTASIA, FRESNO VARIANT. Identifiers: Orphanet 100, MedGen C0004135, MONDO:0008840, OMIM 208900.
Malignant tumor of urinary bladder. Also called: Bladder cancer; Urinary Bladder Neoplasms; Urinary bladder cancer. Identifiers: MedGen C0005684, MONDO:0001187, OMIM 109800.
Hereditary cancer-predisposing syndrome. Also called: Hereditary Cancer Syndrome; Tumor predisposition; Neoplastic Syndromes, Hereditary; Hereditary neoplastic syndrome. Identifiers: Orphanet 140162, MedGen C0027672, MeSH D009386, MONDO:0015356.

gnomAD v4.1: 1 of 1,613,846 alleles (0.000062%); highest among the groups gnomAD compares: Admixed American, 0.0017%; no homozygotes.

Submissions (4):

Labcorp Genetics (formerly Invitae), Labcorp
Classification: Pathogenic for Ataxia-telangiectasia syndrome. Last evaluated: 2025-12-22. Review status: criteria provided, single submitter. Criteria: Invitae Variant Classification Sherloc (09022015). Collection method: clinical testing. Allele origin: germline.
Comment: This sequence change creates a premature translational stop signal (p.Trp1058*) in the ATM gene. It is expected to result in an absent or disrupted protein product. Loss-of-function variants in ATM are known to be pathogenic (PMID: 23807571, 25614872). This variant is present in population databases (no rsID available, gnomAD 0.003%). This premature translational stop signal has been observed in individual(s) with ataxia-telangiectasia (PMID: 23807571). ClinVar contains an entry for this variant (Variation ID: 2039938). For these reasons, this variant has been classified as Pathogenic.

Ambry Genetics
Classification: Pathogenic for Hereditary cancer-predisposing syndrome. Last evaluated: 2025-05-29. Review status: criteria provided, single submitter. Criteria: Ambry Variant Classification Scheme 2023. Collection method: clinical testing. Allele origin: germline.
Comment: The p.W1058* pathogenic mutation (also known as c.3173G>A), located in coding exon 21 of the ATM gene, results from a G to A substitution at nucleotide position 3173. This changes the amino acid from a tryptophan to a stop codon within coding exon 21. This variant is considered to be rare based on population cohorts in the Genome Aggregation Database (gnomAD). This alteration is expected to result in loss of function by premature protein truncation or nonsense-mediated mRNA decay. As such, this alteration is interpreted as a disease-causing mutation.

Myriad Genetics, Inc.
Classification: Pathogenic for Familial cancer of breast. Last evaluated: 2024-01-19. Review status: criteria provided, single submitter. Criteria: Myriad Autosomal Dominant, Autosomal Recessive and X-Linked Classification Criteria (2023). Collection method: clinical testing. Allele origin: unknown.
Comment: This variant is considered pathogenic. This variant creates a termination codon and is predicted to result in premature protein truncation.

Laboratory of Urology, Hospital Clinic de Barcelona
Classification: Pathogenic for Malignant tumor of urinary bladder. Review status: no assertion criteria provided. Collection method: research. Allele origin: somatic. Affected: yes. Not counted in ClinVar's aggregate classification.

Literature cited by the submitters: PubMed 23807571 (cited by Labcorp Genetics (formerly Invitae), Labcorp); PubMed 25614872 (cited by Labcorp Genetics (formerly Invitae), Labcorp).